The following is an entry in ClinVar:

NM_024408.4(NOTCH2):c.6426_6427insTT (p.Glu2143fs)

Gene: NOTCH2 (notch receptor 2; minus strand). Cytogenetic location: 1p12.
Variant type: Insertion.
Coding change: c.6426_6427insTT on transcript NM_024408.4 (MANE Select); coding-DNA positions 6426 to 6427, TT inserted.
Protein change: p.Glu2143fs; shifts the reading frame from glutamic acid 2143.
Molecular consequence: frameshift variant.
Genome position: GRCh38 VCF-style: chr1-119916295-C-CAA. GRCh37 (hg19) VCF-style: chr1-120458918-C-CAA.
Other names: short protein forms E2143fs.
Identifiers: ClinVar variation 951363 (VCV000951363.1), dbSNP rs1649066485, ClinGen allele CA1139656287.

ClinVar aggregate classification (germline): Pathogenic (1 of 4 stars; one submission).

Conditions:
Hajdu-Cheney syndrome (HJCYS). Also called: Acroosteolysis dominant type; SERPENTINE FIBULA-POLYCYSTIC KIDNEY SYNDROME; ACROOSTEOLYSIS WITH OSTEOPOROSIS AND CHANGES IN SKULL AND MANDIBLE. Identifiers: Orphanet 955, MedGen C0917715, MONDO:0007057, OMIM 102500.

Submission:

Labcorp Genetics (formerly Invitae), Labcorp
Classification: Pathogenic for Hajdu-Cheney syndrome. Last evaluated: 2019-07-31. Review status: criteria provided, single submitter. Criteria: Invitae Variant Classification Sherloc (09022015). Collection method: clinical testing. Allele origin: germline.
Comment: This sequence change results in a premature translational stop signal in the NOTCH2 gene (p.Glu2143Leufs*5). While this is not anticipated to result in nonsense mediated decay, it is expected to disrupt the last 329 amino acids of the NOTCH2 protein. This variant is not present in population databases (ExAC no frequency). This variant has not been reported in the literature in individuals with NOTCH2-related conditions. This variant disrupts the C-terminus of the NOTCH2 protein. Other variant(s) that disrupt this region (p.Ile2304Hisfs*9) have been determined to be pathogenic (PMID: 27312922, Invitae). This suggests that variants that disrupt this region of the protein are likely to be causative of disease. For these reasons, this variant has been classified as Pathogenic.

Literature cited by the submitters: PubMed 27312922.